The following is an entry in ClinVar:

ClinVar aggregate classification (germline): Uncertain significance (1 of 4 stars; one submission).

Conditions:
Hereditary cancer-predisposing syndrome. Also called: Neoplastic Syndromes, Hereditary; Tumor predisposition; Hereditary Cancer Syndrome; Hereditary neoplastic syndrome. Identifiers: Orphanet 140162, MedGen C0027672, MeSH D009386, MONDO:0015356.

Submission:

Ambry Genetics
Classification: Uncertain significance for Hereditary cancer-predisposing syndrome. Last evaluated: 2022-02-07. Review status: criteria provided, single submitter. Criteria: Ambry Variant Classification Scheme 2023. Collection method: clinical testing. Allele origin: germline.
Comment: The p.G302D variant (also known as c.905G>A), located in coding exon 7 of the SUFU gene, results from a G to A substitution at nucleotide position 905. The glycine at codon 302 is replaced by aspartic acid, an amino acid with similar properties. This amino acid position is conserved. In addition, this alteration is predicted to be tolerated by in silico analysis. Since supporting evidence is limited at this time, the clinical significance of this alteration remains unclear.

NM_016169.4(SUFU):c.905G>A (p.Gly302Asp)

Gene: SUFU (SUFU negative regulator of hedgehog signaling; plus strand). Cytogenetic location: 10q24.32.
Variant type: single nucleotide variant.
Coding change: c.905G>A on transcript NM_016169.4 (MANE Select); coding-DNA position 905, G replaced by A.
Protein change: p.Gly302Asp; replaces glycine 302 with aspartic acid.
Molecular consequence: missense variant.
Genome position (GRCh38, 1-based): chr10:102,597,288, G>A. VCF-style: chr10-102597288-G-A. GRCh37 (hg19) VCF-style: chr10-104357045-G-A.
Other names: c.905G>A, p.Gly302Asp (NM_001178133.2); short protein forms G302D.
Identifiers: ClinVar variation 1765624 (VCV001765624.2), dbSNP rs2135882420, ClinGen allele CA377910887.